The following is an entry in ClinVar:

NM_001178015.2(SLC4A10):c.2093T>C (p.Leu698Pro)

Gene: SLC4A10 (solute carrier family 4 member 10; plus strand). Cytogenetic location: 2q24.2.
Variant type: single nucleotide variant.
Coding change: c.2093T>C on transcript NM_001178015.2 (MANE Select); coding-DNA position 2093, T replaced by C.
Protein change: p.Leu698Pro; replaces leucine 698 with proline.
Molecular consequence: missense variant.
Genome position (GRCh38, 1-based): chr2:161,942,887, T>C. VCF-style: chr2-161942887-T-C. GRCh37 (hg19) VCF-style: chr2-162799397-T-C.
Other names: c.2036T>C, p.Leu679Pro (NM_001178016.2, NM_001354445.2); c.2093T>C, p.Leu698Pro (NM_001354440.2); c.2126T>C, p.Leu709Pro (NM_001354441.2, NM_001354442.2); c.2039T>C, p.Leu680Pro (NM_001354443.2, NM_001354447.2); c.2090T>C, p.Leu697Pro (NM_001354444.2); c.2003T>C, p.Leu668Pro (NM_001354446.2, NM_001354450.2, NM_022058.4); c.2033T>C, p.Leu678Pro (NM_001354448.2); c.2000T>C, p.Leu667Pro (NM_001354449.2, NM_001354451.2); and 3 more; short protein forms L475P, L619P, L667P, L668P, L678P, L679P, L680P, L697P.
Identifiers: ClinVar variation 2636300 (VCV002636300.1), dbSNP rs1458349611, ClinGen allele CA348978852.

ClinVar aggregate classification (germline): Uncertain significance (1 of 4 stars; one submission).

Conditions:
SLC4A10-related disorder. Also called: SLC4A10-related condition.

Allele frequency attached by ClinVar (database versions not stated): TOPMed below 0.00001; gnomAD 0.00001.

Submission:

PreventionGenetics, part of Exact Sciences
Classification: Uncertain significance for SLC4A10-related condition. Last evaluated: 2023-04-11. Review status: criteria provided, single submitter. Criteria: ACMG Guidelines, 2015. Collection method: clinical testing. Allele origin: germline.
Comment: The SLC4A10 c.2003T>C variant is predicted to result in the amino acid substitution p.Leu668Pro. To our knowledge, this variant has not been reported in the literature or in a large population database, indicating this variant is rare. At this time, the clinical significance of this variant is uncertain due to the absence of conclusive functional and genetic evidence.